The following is an entry in ClinVar:

NM_000552.5(VWF):c.498C>A (p.Asn166Lys)

Gene: VWF (von Willebrand factor; minus strand). Cytogenetic location: 12p13.31.
Variant type: single nucleotide variant.
Coding change: c.498C>A on transcript NM_000552.5 (MANE Select); coding-DNA position 498, C replaced by A.
Protein change: p.Asn166Lys; replaces asparagine 166 with lysine.
Molecular consequence: missense variant.
Genome position (GRCh38, 1-based): chr12:6,110,408, G>T on the plus strand (C>A on the coding strand, the complement: VWF is on the minus strand). VCF-style: chr12-6110408-G-T. GRCh37 (hg19) VCF-style: chr12-6219574-G-T.
Other names: short protein forms N166K.
Identifiers: ClinVar variation 1065256 (VCV001065256.3), dbSNP rs2136521923, ClinGen allele CA383518085.

ClinVar aggregate classification (germline): Uncertain significance (0 of 4 stars; one submission).

Conditions:
von Willebrand disease type 3 (VWD3). Also called: Type 3 Von Willebrand's disease; Type 3 VWD; Von Willebrand disease, severe form; V WD3; VON WILLEBRAND DISEASE, TYPE III. Identifiers: Orphanet 166096, MedGen C1264041, MONDO:0010191, OMIM 277480.

Submission:

Angelo Bianchi Bonomi Hemophilia and Thrombosis Center, Fondazione IRCCS Ca Granda Ospedale Maggiore Policlinico
Classification: Uncertain significance for von Willebrand disease type 3. Last evaluated: 2020-11-01. Review status: no assertion criteria provided. Collection method: clinical testing. Allele origin: germline. Affected: yes. Study: Type 3 Von Willebrand International Registries Inhibitor Prospective Study (3WINTERS-IPS).
Comment: ClinGen Pathogenicity Calculator